The following is an entry in ClinVar:

ClinVar aggregate classification (germline): Pathogenic (1 of 4 stars; one submission).

Conditions:
Cohen syndrome (COH1). Also called: PEPPER SYNDROME; Cutis verticis gyrata, retinitis pigmentosa, and sensorineural deafness. Identifiers: Orphanet 193, MedGen C0265223, MONDO:0008999, OMIM 216550.

Submission:

Labcorp Genetics (formerly Invitae), Labcorp
Classification: Pathogenic for Cohen syndrome. Last evaluated: 2020-04-28. Review status: criteria provided, single submitter. Criteria: Invitae Variant Classification Sherloc (09022015). Collection method: clinical testing. Allele origin: germline.
Comment: For these reasons, this variant has been classified as Pathogenic. Loss-of-function variants in VPS13B are known to be pathogenic (PMID: 15141358, 16648375, 20461111). This variant has not been reported in the literature in individuals with VPS13B-related conditions. This variant is an out-of-frame deletion of the genomic region encompassing exon(s) 24-25 of the VPS13B gene. This is expected to create a premature translational stop signal and result in an absent or disrupted protein product.

Literature cited by the submitters: PubMed 15141358; PubMed 16648375; PubMed 20461111.

NC_000008.10:g.(?_100479632)_(100494040_?)del

Gene: VPS13B (vacuolar protein sorting 13 homolog B; plus strand). Cytogenetic location: 8q22.2.
Variant type: Deletion.
Identifiers: ClinVar variation 1076761 (VCV001076761.5).